The following is an entry in ClinVar:

NM_001378120.1(MBD5):c.297A>G (p.Leu99=)

Gene: MBD5 (methyl-CpG binding domain protein 5; plus strand). Cytogenetic location: 2q23.1.
Variant type: single nucleotide variant.
Coding change: c.297A>G on transcript NM_001378120.1 (MANE Select); coding-DNA position 297, A replaced by G.
Protein change: p.Leu99=; no amino-acid change (leucine 99 retained).
Molecular consequence: synonymous variant.
Genome position (GRCh38, 1-based): chr2:148,463,819, A>G. VCF-style: chr2-148463819-A-G. GRCh37 (hg19) VCF-style: chr2-149221388-A-G.
Other names: p.L99L:CTA>CTG; c.297A>G, p.Leu99= (NM_018328.5).
Identifiers: ClinVar variation 138172 (VCV000138172.41), dbSNP rs77213206, ClinGen allele CA292016.

ClinVar aggregate classification (germline): Benign/Likely benign. Review status: criteria provided, multiple submitters, no conflicts (2 of 4 stars). 6 submissions from 6 submitters: Benign (3); Likely benign (2). 1 of the submissions does not count toward it. Last evaluated 2026-07-01.

Conditions:
MBD5-related disorder. Also called: MBD5-related condition.
Inborn genetic diseases. Identifiers: MedGen C0950123, MeSH D030342.
Intellectual developmental disorder, autosomal dominant 1. Also called: Intellectual disability, autosomal dominant 1; MBD5 Haploinsufficiency. Identifiers: Orphanet 228402, MedGen C1969562, MONDO:0007974, OMIM 156200.

Allele frequency attached by ClinVar (database versions not stated): 1000 Genomes Project 0.00339; 1000 Genomes Project 30x 0.00375; gnomAD 0.00396 and 0.00431; TOPMed 0.00490; ESP Exome Variant Server 0.00531.
gnomAD v4.1: 1,212 of 1,613,844 alleles (0.075%); highest among the groups gnomAD compares: African/African-American, 1.4%; 9 homozygotes.

Submissions (6):

CeGaT Center for Human Genetics Tuebingen
Classification: Likely benign. Last evaluated: 2026-07-01. Review status: criteria provided, single submitter. Criteria: CeGaT Center For Human Genetics Tuebingen Variant Classification Criteria Version 2. Collection method: clinical testing. Allele origin: germline. Affected: yes. Observed: 10 variant alleles.
Comment: MBD5: BP4, BP7, BS1

Labcorp Genetics (formerly Invitae), Labcorp
Classification: Benign for Intellectual developmental disorder, autosomal dominant 1. Last evaluated: 2026-02-03. Review status: criteria provided, single submitter. Criteria: Invitae Variant Classification Sherloc (09022015). Collection method: clinical testing. Allele origin: germline.

Blueprint Genetics
Classification: Likely benign. Last evaluated: 2024-10-18. Review status: criteria provided, single submitter. Criteria: ACMG Guidelines, 2015. Collection method: clinical testing. Allele origin: germline.

Ambry Genetics
Classification: Benign for Inborn genetic diseases. Last evaluated: 2016-07-28. Review status: criteria provided, single submitter. Criteria: Ambry Variant Classification Scheme 2023. Collection method: clinical testing. Allele origin: germline.

GeneDx
Classification: Benign. Last evaluated: 2013-11-27. Review status: criteria provided, single submitter. Criteria: GeneDx Variant Classification (06012015). Collection method: clinical testing. Allele origin: germline. Affected: yes.
Comment: This variant is considered likely benign or benign based on one or more of the following criteria: it is a conservative change, it occurs at a poorly conserved position in the protein, it is predicted to be benign by multiple in silico algorithms, and/or has population frequency not consistent with disease.

PreventionGenetics, part of Exact Sciences
Classification: Benign for MBD5-related condition. Last evaluated: 2022-06-21. Review status: no assertion criteria provided. Collection method: clinical testing. Allele origin: germline. Not counted in ClinVar's aggregate classification.
Comment: This variant is classified as benign based on ACMG/AMP sequence variant interpretation guidelines (Richards et al. 2015 PMID: 25741868, with internal and published modifications).